The following is an entry in ClinVar:

ClinVar aggregate classification (germline): Uncertain significance (1 of 4 stars; one submission).

Conditions:
RASopathy. Also called: rasopathies; Noonan spectrum disorder. Identifiers: Orphanet 536391, MedGen C5555857, MONDO:0021060.

gnomAD v4.1: 24 of 1,580,890 alleles (0.0015%); highest among the groups gnomAD compares: Non-Finnish European, 0.002%; no homozygotes.

Submission:

Labcorp Genetics (formerly Invitae), Labcorp
Classification: Uncertain significance for RASopathy. Last evaluated: 2025-12-24. Review status: criteria provided, single submitter. Criteria: Invitae Variant Classification Sherloc (09022015). Collection method: clinical testing. Allele origin: germline.
Comment: This sequence change falls in intron 1 of the SOS1 gene. It does not directly change the encoded amino acid sequence of the SOS1 protein. It affects a nucleotide within the consensus splice site. This variant is present in population databases (no rsID available, gnomAD 0.001%). This variant has not been reported in the literature in individuals affected with SOS1-related conditions. ClinVar contains an entry for this variant (Variation ID: 1516128). Variants that disrupt the consensus splice site are a relatively common cause of aberrant splicing (PMID: 17576681, 9536098). Algorithms developed to predict the effect of sequence changes on RNA splicing suggest that this variant is not likely to affect RNA splicing. In summary, the available evidence is currently insufficient to determine the role of this variant in disease. Therefore, it has been classified as a Variant of Uncertain Significance.

Literature cited by the submitters: PubMed 17576681; PubMed 9536098.

NM_005633.4(SOS1):c.87+6G>C

Genes: SOS1 (SOS Ras/Rac guanine nucleotide exchange factor 1; minus strand), LOC129933535 (ATAC-STARR-seq lymphoblastoid silent region 11384; plus strand). Cytogenetic location: 2p22.1.
Variant type: single nucleotide variant.
Coding change: c.87+6G>C on transcript NM_005633.4 (MANE Select); 6 bases into the intron after coding-DNA position 87, G replaced by C.
Molecular consequence: intron variant.
Genome position (GRCh38, 1-based): chr2:39,120,330, C>G on the plus strand (G>C on the coding strand, the complement: SOS1 is on the minus strand). VCF-style: chr2-39120330-C-G. GRCh37 (hg19) VCF-style: chr2-39347471-C-G.
Other names: c.66+4334G>C (NM_001382394.1); c.87+6G>C (NM_001382395.1).
Identifiers: ClinVar variation 1516128 (VCV001516128.6), dbSNP rs777383378, ClinGen allele CA46022004.